The following is an entry in ClinVar:

ClinVar aggregate classification (germline): Uncertain significance. Review status: criteria provided, multiple submitters, no conflicts (2 of 4 stars). 2 submissions from 2 submitters: Uncertain significance (2). Last evaluated 2026-01-12.

Allele frequency attached by ClinVar (database versions not stated): gnomAD exomes below 0.00001 and 0.00002; ExAC 0.00002; TOPMed 0.00011; gnomAD 0.00013 and 0.00014; 1000 Genomes Project 30x 0.00016; 1000 Genomes Project 0.00020; ESP Exome Variant Server 0.00031.
gnomAD v4.1: 27 of 1,614,196 alleles (0.0017%); highest among the groups gnomAD compares: African/African-American, 0.031%; no homozygotes.

Submissions (2):

Labcorp Genetics (formerly Invitae), Labcorp
Classification: Uncertain significance. Last evaluated: 2026-01-12. Review status: criteria provided, single submitter. Criteria: Invitae Variant Classification Sherloc (09022015). Collection method: clinical testing. Allele origin: germline.
Comment: This sequence change replaces valine, which is neutral and non-polar, with alanine, which is neutral and non-polar, at codon 220 of the KLF10 protein (p.Val220Ala). This variant is present in population databases (rs145975076, gnomAD 0.02%). This variant has not been reported in the literature in individuals affected with KLF10-related conditions. ClinVar contains an entry for this variant (Variation ID: 1470267). An algorithm developed to predict the effect of missense changes on protein structure and function outputs the following: PolyPhen-2: "Benign". The alanine amino acid residue is found in multiple mammalian species, which suggests that this missense change does not adversely affect protein function. In summary, the available evidence is currently insufficient to determine the role of this variant in disease. Therefore, it has been classified as a Variant of Uncertain Significance.

Ambry Genetics
Classification: Uncertain significance. Last evaluated: 2024-06-02. Review status: criteria provided, single submitter. Criteria: Ambry Variant Classification Scheme 2023. Collection method: clinical testing. Allele origin: germline.

NM_005655.4(KLF10):c.659T>C (p.Val220Ala)

Gene: KLF10 (KLF transcription factor 10; minus strand). Cytogenetic location: 8q22.3.
Variant type: single nucleotide variant.
Coding change: c.659T>C on transcript NM_005655.4 (MANE Select); coding-DNA position 659, T replaced by C.
Protein change: p.Val220Ala; replaces valine 220 with alanine.
Molecular consequence: missense variant.
Genome position (GRCh38, 1-based): chr8:102,651,673, A>G on the plus strand (T>C on the coding strand, the complement: KLF10 is on the minus strand). VCF-style: chr8-102651673-A-G. GRCh37 (hg19) VCF-style: chr8-103663901-A-G.
Other names: c.626T>C, p.Val209Ala (NM_001032282.4); c.659T>C (NM_005655.2); short protein forms V220A, V209A.
Identifiers: ClinVar variation 1470267 (VCV001470267.7), dbSNP rs145975076, ClinGen allele CA4833559.